The following is an entry in ClinVar:

ClinVar aggregate classification (germline): Uncertain significance (1 of 4 stars; one submission).

Conditions:
Catecholaminergic polymorphic ventricular tachycardia 1. Also called: RYR2-Related Catecholaminergic Polymorphic Ventricular Tachycardia; VENTRICULAR TACHYCARDIA, STRESS-INDUCED POLYMORPHIC 1; VENTRICULAR TACHYCARDIA, CATECHOLAMINERGIC POLYMORPHIC, 1, WITH OR WITHOUT ATRIAL DYSFUNCTION AND/OR DILATED CARDIOMYOPATHY. Identifiers: Orphanet 3286, MedGen C1631597, MONDO:0011484, OMIM 604772.

gnomAD v4.1: 3 of 1,613,782 alleles (0.00019%); highest among the groups gnomAD compares: South Asian, 0.0033%; no homozygotes.

Submission:

Labcorp Genetics (formerly Invitae), Labcorp
Classification: Uncertain significance for Catecholaminergic polymorphic ventricular tachycardia 1. Last evaluated: 2024-08-06. Review status: criteria provided, single submitter. Criteria: Invitae Variant Classification Sherloc (09022015). Collection method: clinical testing. Allele origin: germline.
Comment: This sequence change replaces isoleucine, which is neutral and non-polar, with phenylalanine, which is neutral and non-polar, at codon 4574 of the RYR2 protein (p.Ile4574Phe). This variant is not present in population databases (gnomAD no frequency). This variant has not been reported in the literature in individuals affected with RYR2-related conditions. ClinVar contains an entry for this variant (Variation ID: 2094772). Advanced modeling of protein sequence and biophysical properties (such as structural, functional, and spatial information, amino acid conservation, physicochemical variation, residue mobility, and thermodynamic stability) performed at Invitae indicates that this missense variant is not expected to disrupt RYR2 protein function with a negative predictive value of 95%. In summary, the available evidence is currently insufficient to determine the role of this variant in disease. Therefore, it has been classified as a Variant of Uncertain Significance.

NM_001035.3(RYR2):c.13720A>T (p.Ile4574Phe)

Gene: RYR2 (ryanodine receptor 2; plus strand). Cytogenetic location: 1q43.
Variant type: single nucleotide variant.
Coding change: c.13720A>T on transcript NM_001035.3 (MANE Select); coding-DNA position 13720, A replaced by T.
Protein change: p.Ile4574Phe; replaces isoleucine 4574 with phenylalanine.
Molecular consequence: missense variant.
Genome position (GRCh38, 1-based): chr1:237,792,261, A>T. VCF-style: chr1-237792261-A-T. GRCh37 (hg19) VCF-style: chr1-237955561-A-T.
Other names: short protein forms I4574F.
Identifiers: ClinVar variation 2094772 (VCV002094772.4), dbSNP rs1573968201, ClinGen allele CA345417593.